The following is an entry in ClinVar:

NM_000069.3(CACNA1S):c.1394-9A>G

Gene: CACNA1S (calcium voltage-gated channel subunit alpha1 S; minus strand). Cytogenetic location: 1q32.1.
Variant type: single nucleotide variant.
Coding change: c.1394-9A>G on transcript NM_000069.3 (MANE Select); 9 bases into the intron before coding-DNA position 1394, A replaced by G.
Molecular consequence: intron variant.
Genome position (GRCh38, 1-based): chr1:201,078,113, T>C on the plus strand (A>G on the coding strand, the complement: CACNA1S is on the minus strand). VCF-style: chr1-201078113-T-C. GRCh37 (hg19) VCF-style: chr1-201047241-T-C.
Identifiers: ClinVar variation 4757549 (VCV004757549.1).
Genomic context (GRCh38, chr1:201,078,113, plus strand): 5'-TTCATCAGCATCTCAGTGGTGAAGAGGGACAGCAGCACCCGGTTGGCAATGTCTGTAGGG[T>C]TGGTGGCACAGCCCCGGCATCACTCTCCTTCCCTTCTCCTGACTCCCAGCCTTGGCTGTG-3'

ClinVar aggregate classification (germline): Uncertain significance (1 of 4 stars; one submission).

Conditions:
Malignant hyperthermia, susceptibility to, 5 (MHS5). Also called: CACNA1S-Related Malignant Hyperthermia Susceptibility. Identifiers: Orphanet 423, MedGen C1866077, MONDO:0011163, OMIM 601887.

gnomAD v4.1: 3 of 1,602,482 alleles (0.00019%); highest among the groups gnomAD compares: Non-Finnish European, 0.00026%; no homozygotes.

Submission:

Color Diagnostics, LLC DBA Color Health
Classification: Uncertain significance for Malignant hyperthermia, susceptibility to, 5. Last evaluated: 2025-07-03. Review status: criteria provided, single submitter. Criteria: ACMG Guidelines, 2015. Collection method: clinical testing. Allele origin: germline.
Comment: This variant causes an A>G nucleotide substitution at the -9 position of intron 10 of the CACNA1S gene. Splice site prediction tools suggest that this variant may have a significant impact on RNA splicing. To our knowledge, RNA studies have not been reported for this variant. This variant has not been reported in individuals affected with CACNA1S-related disorders in the literature. This variant has not been identified in the general population by the Genome Aggregation Database (gnomAD). The available evidence is insufficient to determine the role of this variant in disease conclusively. Therefore, this variant is classified as a Variant of Uncertain Significance.